The following is an entry in ClinVar:

NM_000548.5(TSC2):c.96G>A (p.Glu32=)

Gene: TSC2 (TSC complex subunit 2; plus strand). Cytogenetic location: 16p13.3.
Variant type: single nucleotide variant.
Coding change: c.96G>A on transcript NM_000548.5 (MANE Select); coding-DNA position 96, G replaced by A.
Protein change: p.Glu32=; no amino-acid change (glutamic acid 32 retained).
Molecular consequence: synonymous variant. On other transcripts: 5 prime UTR variant (1), intron variant (1).
Genome position (GRCh38, 1-based): chr16:2,048,711, G>A. VCF-style: chr16-2048711-G-A. GRCh37 (hg19) VCF-style: chr16-2098712-G-A.
Other names: c.96G>A (NM_000548.4); c.96G>A, p.Glu32= (NM_001077183.3, NM_001114382.3, NM_001318827.2 and 4 more transcripts); c.-131G>A (NM_001318831.2); c.129G>A, p.Glu43= (NM_001318832.2); c.-10+646G>A (NM_001318829.2).
Identifiers: ClinVar variation 589718 (VCV000589718.22), dbSNP rs1567380772, ClinGen allele CA492954460.

ClinVar aggregate classification (germline): Conflicting classifications of pathogenicity. Review status: criteria provided, conflicting classifications (1 of 4 stars). 7 submissions from 7 submitters: Uncertain significance (2); Likely benign (5). Last evaluated 2025-02-25.

Conditions:
Tuberous sclerosis 2 (TSC2). Identifiers: Orphanet 805, MedGen C1860707, MONDO:0013199, OMIM 613254.
Hereditary cancer-predisposing syndrome. Also called: Neoplastic Syndromes, Hereditary; Hereditary neoplastic syndrome; Hereditary Cancer Syndrome; Tumor predisposition. Identifiers: Orphanet 140162, MedGen C0027672, MeSH D009386, MONDO:0015356.
Tuberous sclerosis syndrome (TSC). Also called: Tuberous Sclerosis Complex; Tuberous sclerosis. Identifiers: Orphanet 805, MedGen C0041341, MONDO:0001734.

gnomAD v4.1: 7 of 1,614,114 alleles (0.00043%); highest among the groups gnomAD compares: Non-Finnish European, 0.00059%; no homozygotes.

Submissions (7):

Labcorp Genetics (formerly Invitae), Labcorp
Classification: Likely benign for Tuberous sclerosis 2. Last evaluated: 2025-02-25. Review status: criteria provided, single submitter. Criteria: Invitae Variant Classification Sherloc (09022015). Collection method: clinical testing. Allele origin: germline.

Johns Hopkins Genomics, Johns Hopkins University
Classification: Uncertain significance for Tuberous sclerosis 2. Last evaluated: 2025-01-03. Review status: criteria provided, single submitter. Criteria: ACMG Guidelines, 2015. Collection method: clinical testing. Allele origin: germline.
Comment: The clinical significance of this variant is uncertain (PM2, PP3, BS2).

All of Us Research Program, National Institutes of Health
Classification: Likely benign for Tuberous sclerosis syndrome. Last evaluated: 2023-11-02. Review status: criteria provided, single submitter. Criteria: ACMG Guidelines, 2015. Collection method: clinical testing. Allele origin: germline. Inheritance: Autosomal dominant inheritance. Observed: 2 variant alleles, 2 heterozygotes.
Comment: This study involves interpretation of variants in research participants for the purpose of population health screening. Participant phenotype was not available at the time of variant classification. Additional details can be found in publication PMID: 35346344, PMCID: PMC8962531

Ambry Genetics
Classification: Likely benign for Hereditary cancer-predisposing syndrome. Last evaluated: 2022-10-28. Review status: criteria provided, single submitter. Criteria: Ambry Variant Classification Scheme 2023. Collection method: clinical testing. Allele origin: germline.

Color Diagnostics, LLC DBA Color Health
Classification: Likely benign for Tuberous sclerosis syndrome. Last evaluated: 2022-09-07. Review status: criteria provided, single submitter. Criteria: ACMG Guidelines, 2015. Collection method: clinical testing. Allele origin: germline.

Genome-Nilou Lab
Classification: Likely benign for Tuberous sclerosis 2. Last evaluated: 2021-11-07. Review status: criteria provided, single submitter. Criteria: ACMG Guidelines, 2015. Collection method: clinical testing. Allele origin: germline. Affected: no.

GeneDx
Classification: Uncertain significance. Last evaluated: 2021-10-20. Review status: criteria provided, single submitter. Criteria: GeneDx Variant Classification Process June 2021. Collection method: clinical testing. Allele origin: germline. Affected: yes.
Comment: Not observed at significant frequency in large population cohorts (Lek 2016); Has not been previously published as pathogenic or benign to our knowledge; In silico analysis, which includes splice predictors and evolutionary conservation, suggests this variant may impact gene splicing. In the absence of RNA/functional studies, the actual effect of this sequence change is unknown.

Literature cited by the submitters: PubMed 10823953 (cited by Johns Hopkins Genomics, Johns Hopkins University).